The following is an entry in ClinVar:

ClinVar aggregate classification (germline): Likely benign (0 of 4 stars; one submission).

Conditions:
POGZ-related disorder. Also called: POGZ-related condition.

gnomAD v4.1: 4 of 1,536,672 alleles (0.00026%); highest among the groups gnomAD compares: African/African-American, 0.0029%; no homozygotes.

Submission:

PreventionGenetics, part of Exact Sciences
Classification: Likely benign for POGZ-related condition. Last evaluated: 2022-06-02. Review status: no assertion criteria provided. Collection method: clinical testing. Allele origin: germline.
Comment: This variant is classified as likely benign based on ACMG/AMP sequence variant interpretation guidelines (Richards et al. 2015 PMID: 25741868, with internal and published modifications).

NM_015100.4(POGZ):c.1927-8C>G

Gene: POGZ (pogo transposable element derived with ZNF domain; minus strand). Cytogenetic location: 1q21.3.
Variant type: single nucleotide variant.
Coding change: c.1927-8C>G on transcript NM_015100.4 (MANE Select); 8 bases into the intron before coding-DNA position 1927, C replaced by G.
Molecular consequence: intron variant.
Genome position (GRCh38, 1-based): chr1:151,408,836, G>C on the plus strand (C>G on the coding strand, the complement: POGZ is on the minus strand). VCF-style: chr1-151408836-G-C. GRCh37 (hg19) VCF-style: chr1-151381312-G-C.
Other names: c.1741-8C>G (NM_001194938.2); c.1642-8C>G (NM_145796.4); c.1900-8C>G (NM_001194937.2); c.1948-8C>G (NM_001410860.1); c.1768-8C>G (NM_207171.2).
Identifiers: ClinVar variation 3052751 (VCV003052751.2), dbSNP rs1376886027, ClinGen allele CA2574056156.
Genomic context (GRCh38, chr1:151,408,836, plus strand): 5'-TTGGCAAAGAGAAACTGCAGCCGGCATTTGTTGCAGTGATAAACATTTCTCTTCTGAAGT[G>C]GGGGAGGGAAAAAAAGAGACAAAATCCCTTAAAGGTTCCTAATAAATTTTCTTTTTTGAG-3'